The following is an entry in ClinVar:

NM_000399.5(EGR2):c.508CCT[5] (p.Pro173dup)

Gene: EGR2 (early growth response 2; minus strand). Cytogenetic location: 10q21.3.
Variant type: Microsatellite.
Coding change: c.508CCT[5] on transcript NM_000399.5 (MANE Select); five copies in a row of the 3-base unit CCT starting at c.508; the reference has four copies in a row; one copy, 3 bases duplicated.
Protein change: p.Pro173dup; duplicates proline 173.
Molecular consequence: inframe insertion.
Genome position (GRCh38, 1-based): chr10:62,814,119-62,814,121, AGG duplicated on the plus strand (CCT on the coding strand, the reverse complement: EGR2 is on the minus strand); duplicating any 3 consecutive bases within chr10:62,814,119-62,814,130 gives the same sequence; the position shown is the placement nearest the transcript's 3' end. VCF-style (leftmost placement, unchanged base first): chr10-62814118-A-AAGG. GRCh37 (hg19) VCF-style: chr10-64573878-A-AAGG.
Other names: c.508CCT[5], p.Pro173dup (NM_001136177.3, NM_001136178.2); c.358CCT[5], p.Pro123dup (NM_001136179.3, NM_001321037.2).
Identifiers: ClinVar variation 1043234 (VCV001043234.6), dbSNP rs756443238, ClinGen allele CA5517266.
Genomic context (GRCh38, chr10:62,814,118, plus strand): 5'-TGGTGGCTGCTGACAGGAACGCAGAAGGGTCCTGGTAGAGGTCTCCTGCACAGCCAGAAT[A>AAGG]AGGAGGAGGAGGCGGTGGCGGAGAGTACAGGTGGTCCAGGTCAGGCTGGGTCTGGGACAT-3'

ClinVar aggregate classification (germline): Uncertain significance (1 of 4 stars; one submission).

Conditions:
Charcot-Marie-Tooth disease, type I (CMT1). Also called: Charcot-Marie-Tooth, Type 1; Charcot-Marie-Tooth disease type 1. Identifiers: Orphanet 65753, MedGen C0751036, MONDO:0019011.

Submission:

Labcorp Genetics (formerly Invitae), Labcorp
Classification: Uncertain significance for Charcot-Marie-Tooth disease, type I. Last evaluated: 2024-05-20. Review status: criteria provided, single submitter. Criteria: Invitae Variant Classification Sherloc (09022015). Collection method: clinical testing. Allele origin: germline.
Comment: This variant, c.517_519dup, results in the insertion of 1 amino acid(s) of the EGR2 protein (p.Pro173dup), but otherwise preserves the integrity of the reading frame. This variant is present in population databases (rs756443238, gnomAD 0.04%). This variant has not been reported in the literature in individuals affected with EGR2-related conditions. Experimental studies and prediction algorithms are not available or were not evaluated, and the functional significance of this variant is currently unknown. In summary, the available evidence is currently insufficient to determine the role of this variant in disease. Therefore, it has been classified as a Variant of Uncertain Significance.